The following is an entry in ClinVar:

NM_004218.4(RAB11B):c.545C>T (p.Ala182Val)

Gene: RAB11B (RAB11B, member RAS oncogene family; plus strand). Cytogenetic location: 19p13.2.
Variant type: single nucleotide variant.
Coding change: c.545C>T on transcript NM_004218.4 (MANE Select); coding-DNA position 545, C replaced by T.
Protein change: p.Ala182Val; replaces alanine 182 with valine.
Molecular consequence: missense variant.
Genome position (GRCh38, 1-based): chr19:8,403,446, C>T. VCF-style: chr19-8403446-C-T. GRCh37 (hg19) VCF-style: chr19-8468330-C-T.
Other names: short protein forms A182V.
Identifiers: ClinVar variation 1713855 (VCV001713855.5), dbSNP rs1166765790, ClinGen allele CA403716491.

ClinVar aggregate classification (germline): Uncertain significance (1 of 4 stars; one submission).

Allele frequency attached by ClinVar (database versions not stated): gnomAD exomes 0.00001.
gnomAD v4.1: 3 of 1,613,982 alleles (0.00019%); highest among the groups gnomAD compares: Non-Finnish European, 0.00025%; no homozygotes.

Submission:

Labcorp Genetics (formerly Invitae), Labcorp
Classification: Uncertain significance. Last evaluated: 2022-08-16. Review status: criteria provided, single submitter. Criteria: Invitae Variant Classification Sherloc (09022015). Collection method: clinical testing. Allele origin: germline.
Comment: This variant is present in population databases (no rsID available, gnomAD 0.0009%). This variant has not been reported in the literature in individuals affected with RAB11B-related conditions. Algorithms developed to predict the effect of missense changes on protein structure and function (SIFT, PolyPhen-2, Align-GVGD) all suggest that this variant is likely to be tolerated. This sequence change replaces alanine, which is neutral and non-polar, with valine, which is neutral and non-polar, at codon 182 of the RAB11B protein (p.Ala182Val). In summary, the available evidence is currently insufficient to determine the role of this variant in disease. Therefore, it has been classified as a Variant of Uncertain Significance.